The following is an entry in ClinVar:

NM_002473.6(MYH9):c.1338C>A (p.Ser446=)

Gene: MYH9 (myosin heavy chain 9; minus strand). Cytogenetic location: 22q12.3.
Variant type: single nucleotide variant.
Coding change: c.1338C>A on transcript NM_002473.6 (MANE Select); coding-DNA position 1338, C replaced by A.
Protein change: p.Ser446=; no amino-acid change (serine 446 retained).
Molecular consequence: synonymous variant.
Genome position (GRCh38, 1-based): chr22:36,316,559, G>T on the plus strand (C>A on the coding strand, the complement: MYH9 is on the minus strand). VCF-style: chr22-36316559-G-T. GRCh37 (hg19) VCF-style: chr22-36712604-G-T.
Identifiers: ClinVar variation 3348177 (VCV003348177.1).

ClinVar aggregate classification (germline): Likely benign (0 of 4 stars; one submission).

Conditions:
MYH9-related disorder. Identifiers: MedGen C1854520.

Submission:

PreventionGenetics, part of Exact Sciences
Classification: Likely benign for MYH9-related condition. Last evaluated: 2024-03-21. Review status: no assertion criteria provided. Collection method: clinical testing. Allele origin: germline.
Comment: This variant is classified as likely benign based on ACMG/AMP sequence variant interpretation guidelines (Richards et al. 2015 PMID: 25741868, with internal and published modifications).